The following is an entry in ClinVar:

NM_002435.3(MPI):c.844+2T>G

Gene: MPI (mannose phosphate isomerase; plus strand). Cytogenetic location: 15q24.1.
Variant type: single nucleotide variant.
Coding change: c.844+2T>G on transcript NM_002435.3 (MANE Select); the canonical splice donor site of the intron after coding-DNA position 844, T replaced by G.
Molecular consequence: splice donor variant.
Genome position (GRCh38, 1-based): chr15:74,896,327, T>G. VCF-style: chr15-74896327-T-G. GRCh37 (hg19) VCF-style: chr15-75188668-T-G.
Other names: c.784+2T>G (NM_001330372.2); c.844+2T>G (NM_001289155.2); c.661+2T>G (NM_001289157.2); c.694+2T>G (NM_001289156.2).
Identifiers: ClinVar variation 1470996 (VCV001470996.8), dbSNP rs2141206921, ClinGen allele CA393176130.
Genomic context (GRCh38, chr15:74,896,327, plus strand): 5'-GAAGCCTGGGGAGGCCATGTTTCTGGAGGCCAACGTACCCCATGCCTACCTGAAAGGAGG[T>G]GAGCCACATTTCAGCAGTGAGCCCCACTGCCATCCCTGCTGGGCCCTGTTTCCCTATCTG-3'

ClinVar aggregate classification (germline): Likely pathogenic (1 of 4 stars; one submission).

Conditions:
MPI-congenital disorder of glycosylation. Also called: MPI DEFICIENCY; CONGENITAL DISORDER OF GLYCOSYLATION, TYPE Ib; CDG Ib; MANNOSEPHOSPHATE ISOMERASE DEFICIENCY; PROTEIN-LOSING ENTEROPATHY-HEPATIC FIBROSIS SYNDROME; MPI-CDG. Identifiers: Orphanet 79319, MedGen C1865145, MONDO:0011257, OMIM 602579.

Submission:

Labcorp Genetics (formerly Invitae), Labcorp
Classification: Likely pathogenic for MPI-congenital disorder of glycosylation. Last evaluated: 2020-12-09. Review status: criteria provided, single submitter. Criteria: Invitae Variant Classification Sherloc (09022015). Collection method: clinical testing. Allele origin: germline.
Comment: In summary, the currently available evidence indicates that the variant is pathogenic, but additional data are needed to prove that conclusively. Therefore, this variant has been classified as Likely Pathogenic. This variant has not been reported in the literature in individuals with MPI-related conditions. Algorithms developed to predict the effect of sequence changes on RNA splicing suggest that this variant may disrupt the consensus splice site, but this prediction has not been confirmed by published transcriptional studies. This sequence change affects a donor splice site in intron 6 of the MPI gene. It is expected to disrupt RNA splicing. Variants that disrupt the donor or acceptor splice site typically lead to a loss of protein function (PMID: 16199547), and loss-of-function variants in MPI are known to be pathogenic (PMID: 19862844). This variant is not present in population databases (ExAC no frequency).

Literature cited by the submitters: PubMed 16199547; PubMed 19862844.